The following is an entry in ClinVar:

NM_001291867.2(NHS):c.127C>G (p.Arg43Gly)

Gene: NHS (NHS actin remodeling regulator; plus strand). Cytogenetic location: Xp22.2.
Variant type: single nucleotide variant.
Coding change: c.127C>G on transcript NM_001291867.2 (MANE Select); coding-DNA position 127, C replaced by G.
Protein change: p.Arg43Gly; replaces arginine 43 with glycine.
Molecular consequence: missense variant.
Genome position (GRCh38, 1-based): chrX:17,375,884, C>G. VCF-style: chrX-17375884-C-G. GRCh37 (hg19) VCF-style: chrX-17394007-C-G.
Other names: c.127C>G, p.Arg43Gly (NM_198270.4); c.127C>G (NM_198270.3); short protein forms R43G.
Identifiers: ClinVar variation 1204372 (VCV001204372.4), dbSNP rs1486316948, ClinGen allele CA412484095.

ClinVar aggregate classification (germline): Uncertain significance. Review status: criteria provided, multiple submitters, no conflicts (2 of 4 stars). 2 submissions from 2 submitters: Uncertain significance (2). Last evaluated 2023-09-27.

Conditions:
NHS-related disorder. Also called: NHS-related condition.

Allele frequency attached by ClinVar (database versions not stated): TOPMed below 0.00001.
gnomAD v4.1: 5 of 1,107,534 alleles (0.00045%); highest among the groups gnomAD compares: Non-Finnish European, 0.00059%; no homozygotes.

Submissions (2):

PreventionGenetics, part of Exact Sciences
Classification: Uncertain significance for NHS-related condition. Last evaluated: 2023-09-27. Review status: criteria provided, single submitter. Criteria: ACMG Guidelines, 2015. Collection method: clinical testing. Allele origin: germline.
Comment: The NHS c.127C>G variant is predicted to result in the amino acid substitution p.Arg43Gly. To our knowledge, this variant has not been reported in the literature or in a large population database, indicating this variant is rare. At this time, the clinical significance of this variant is uncertain due to the absence of conclusive functional and genetic evidence.

GeneDx
Classification: Uncertain significance. Last evaluated: 2020-02-12. Review status: criteria provided, single submitter. Criteria: GeneDx Variant Classification Process June 2021. Collection method: clinical testing. Allele origin: germline. Affected: yes.
Comment: Not observed in large population cohorts (Lek et al., 2016); In silico analysis supports that this missense variant does not alter protein structure/function; Has not been previously published as pathogenic or benign to our knowledge